The following is an entry in ClinVar:

ClinVar aggregate classification (germline): Likely benign. Review status: criteria provided, multiple submitters, no conflicts (2 of 4 stars). 2 submissions from 2 submitters: Likely benign (2). Last evaluated 2024-12-11.

Conditions:
MYO5B-related disorder. Also called: MYO5B-related condition.

Allele frequency attached by ClinVar (database versions not stated): gnomAD 0.00004; TOPMed 0.00006.
gnomAD v4.1: 15 of 1,613,742 alleles (0.00093%); highest among the groups gnomAD compares: African/African-American, 0.016%; no homozygotes.

Submissions (2):

PreventionGenetics, part of Exact Sciences
Classification: Likely benign for MYO5B-related condition. Last evaluated: 2024-12-11. Review status: criteria provided, single submitter. Criteria: ACMG Guidelines, 2015. Collection method: clinical testing. Allele origin: germline.
Comment: This variant is classified as likely benign based on ACMG/AMP sequence variant interpretation guidelines (Richards et al. 2015 PMID: 25741868, with internal and published modifications).

Labcorp Genetics (formerly Invitae), Labcorp
Classification: Likely benign. Last evaluated: 2024-04-16. Review status: criteria provided, single submitter. Criteria: Invitae Variant Classification Sherloc (09022015). Collection method: clinical testing. Allele origin: germline.

NM_001080467.3(MYO5B):c.1668+7C>T

Gene: MYO5B (myosin VB; minus strand). Cytogenetic location: 18q21.1.
Variant type: single nucleotide variant.
Coding change: c.1668+7C>T on transcript NM_001080467.3 (MANE Select); 7 bases into the intron after coding-DNA position 1668, C replaced by T.
Molecular consequence: intron variant.
Genome position (GRCh38, 1-based): chr18:49,954,306, G>A on the plus strand (C>T on the coding strand, the complement: MYO5B is on the minus strand). VCF-style: chr18-49954306-G-A. GRCh37 (hg19) VCF-style: chr18-47480676-G-A.
Identifiers: ClinVar variation 797724 (VCV000797724.7), dbSNP rs776472152, ClinGen allele CA8961441.
Genomic context (GRCh38, chr18:49,954,306, plus strand): 5'-TAGAGCCCATTGAGTCTACTTAGAGAGGGGCCAAGGGAATACCCGAGCCAACAGAGAGGA[G>A]AGCCACCTTGTCTGCAAAGTGGACGATGATGAAGGCCGTGTTGGACATGCGGGGCTTCTG-3'